The following is an entry in ClinVar:

NM_005228.5(EGFR):c.3270T>C (p.Pro1090=)

Gene: EGFR (epidermal growth factor receptor; plus strand). Cytogenetic location: 7p11.2.
Variant type: single nucleotide variant.
Coding change: c.3270T>C on transcript NM_005228.5 (MANE Select); coding-DNA position 3270, T replaced by C.
Protein change: p.Pro1090=; no amino-acid change (proline 1090 retained).
Molecular consequence: synonymous variant.
Genome position (GRCh38, 1-based): chr7:55,202,624, T>C. VCF-style: chr7-55202624-T-C. GRCh37 (hg19) VCF-style: chr7-55270317-T-C.
Other names: c.3135T>C, p.Pro1045= (NM_001346897.2, NM_001346899.2); c.3270T>C, p.Pro1090= (NM_001346898.2); c.3111T>C, p.Pro1037= (NM_001346900.2); c.2469T>C, p.Pro823= (NM_001346941.2).
Identifiers: ClinVar variation 1939180 (VCV001939180.6), dbSNP rs1445660531, ClinGen allele CA454969881.
Genomic context (GRCh38, chr7:55,202,624, plus strand): 5'-CTCAGACCCCACAGGCGCCTTGACTGAGGACAGCATAGACGACACCTTCCTCCCAGTGCC[T>C]GGTGAGTGGCTTGTCTGGAAACAGTCCTGCTCCTCAACCTCCTCGACCCACTCAGCAGCA-3'
Protein context (NP_005219.2, residues 1080-1100): DSIDDTFLPV[Pro1090=]EYINQSVPKR

ClinVar aggregate classification (germline): Conflicting classifications of pathogenicity. Review status: criteria provided, conflicting classifications (1 of 4 stars). 2 submissions from 2 submitters: Uncertain significance (1); Likely benign (1). Last evaluated 2025-03-22.

Conditions:
Hereditary cancer-predisposing syndrome. Also called: Tumor predisposition; Hereditary neoplastic syndrome; Neoplastic Syndromes, Hereditary; Hereditary Cancer Syndrome. Identifiers: Orphanet 140162, MedGen C0027672, MeSH D009386, MONDO:0015356.
EGFR-related lung cancer (EGFR). Identifiers: MedGen CN130014.

Submissions (2):

Ambry Genetics
Classification: Likely benign for Hereditary cancer-predisposing syndrome. Last evaluated: 2025-03-22. Review status: criteria provided, single submitter. Criteria: Ambry Variant Classification Scheme 2023. Collection method: clinical testing. Allele origin: germline.

Labcorp Genetics (formerly Invitae), Labcorp
Classification: Uncertain significance for EGFR-related lung cancer. Last evaluated: 2022-07-29. Review status: criteria provided, single submitter. Criteria: Invitae Variant Classification Sherloc (09022015). Collection method: clinical testing. Allele origin: germline.
Comment: In summary, the available evidence is currently insufficient to determine the role of this variant in disease. Therefore, it has been classified as a Variant of Uncertain Significance. This sequence change affects codon 1090 of the EGFR mRNA. It is a 'silent' change, meaning that it does not change the encoded amino acid sequence of the EGFR protein. It affects a nucleotide within the consensus splice site. This variant is not present in population databases (gnomAD no frequency). This variant has not been reported in the literature in individuals affected with EGFR-related conditions. Algorithms developed to predict the effect of sequence changes on RNA splicing suggest that this variant is not likely to affect RNA splicing.